The following is an entry in ClinVar:

ClinVar aggregate classification (germline): Uncertain significance (1 of 4 stars; one submission).

Conditions:
Alstrom syndrome (ALMS). Identifiers: Orphanet 64, MedGen C0268425, MONDO:0008763, OMIM 203800.

Submission:

Labcorp Genetics (formerly Invitae), Labcorp
Classification: Uncertain significance for Alstrom syndrome. Last evaluated: 2025-06-05. Review status: criteria provided, single submitter. Criteria: Invitae Variant Classification Sherloc (09022015). Collection method: clinical testing. Allele origin: germline.
Comment: This sequence change replaces glutamic acid, which is acidic and polar, with alanine, which is neutral and non-polar, at codon 2572 of the ALMS1 protein (p.Glu2572Ala). This variant is not present in population databases (gnomAD no frequency). This variant has not been reported in the literature in individuals affected with ALMS1-related conditions. Experimental studies and prediction algorithms are not available or were not evaluated, and the functional significance of this variant is currently unknown. In summary, the available evidence is currently insufficient to determine the role of this variant in disease. Therefore, it has been classified as a Variant of Uncertain Significance.

NM_001378454.1(ALMS1):c.7712A>C (p.Glu2571Ala)

Gene: ALMS1 (ALMS1 centrosome and basal body associated protein; plus strand). Cytogenetic location: 2p13.1.
Variant type: single nucleotide variant.
Coding change: c.7712A>C on transcript NM_001378454.1 (MANE Select); coding-DNA position 7712, A replaced by C.
Protein change: p.Glu2571Ala; replaces glutamic acid 2571 with alanine.
Molecular consequence: missense variant.
Genome position (GRCh38, 1-based): chr2:73,489,671, A>C. VCF-style: chr2-73489671-A-C. GRCh37 (hg19) VCF-style: chr2-73716798-A-C.
Other names: c.7715A>C, p.Glu2572Ala (NM_015120.4); short protein forms E2571A, E2572A.
Identifiers: ClinVar variation 4803505 (VCV004803505.1).